The following is an entry in ClinVar:

NM_024871.4(MAP6D1):c.189C>T (p.Asp63=)

Genes: MAP6D1 (MAP6 domain containing 1; minus strand), LOC129938032 (ATAC-STARR-seq lymphoblastoid silent region 14949; plus strand). Cytogenetic location: 3q27.1.
Variant type: single nucleotide variant.
Coding change: c.189C>T on transcript NM_024871.4 (MANE Select); coding-DNA position 189, C replaced by T.
Protein change: p.Asp63=; no amino-acid change (aspartic acid 63 retained).
Molecular consequence: synonymous variant.
Genome position (GRCh38, 1-based): chr3:183,825,359, G>A on the plus strand (C>T on the coding strand, the complement: MAP6D1 is on the minus strand). VCF-style: chr3-183825359-G-A. GRCh37 (hg19) VCF-style: chr3-183543147-G-A.
Identifiers: ClinVar variation 4978147 (VCV004978147.1).

ClinVar aggregate classification (germline): Likely benign (1 of 4 stars; one submission).

Conditions:
MAP6D1-related disorder. Also called: MAP6D1-related condition.

Submission:

PreventionGenetics, part of Exact Sciences
Classification: Likely benign for MAP6D1-related condition. Last evaluated: 2026-03-31. Review status: criteria provided, single submitter. Criteria: ACMG Guidelines, 2015. Collection method: clinical testing. Allele origin: germline.
Comment: This variant is classified as likely benign based on ACMG/AMP sequence variant interpretation guidelines (Richards et al. 2015 PMID: 25741868, with internal and published modifications).